The following is an entry in ClinVar:

ClinVar aggregate classification (germline): Conflicting classifications of pathogenicity. Review status: criteria provided, conflicting classifications (1 of 4 stars). 7 submissions from 7 submitters: Uncertain significance (1); Benign (2); Likely benign (2). 2 of the submissions do not count toward it. Last evaluated 2026-09-01.

Conditions:
Ataxia - intellectual disability - oculomotor apraxia - cerebellar cysts syndrome. Also called: Poretti-Boltshauser syndrome. Identifiers: Orphanet 370022, MedGen C4014821, MONDO:0014419, OMIM 615960.

Allele frequency attached by ClinVar (database versions not stated): 1000 Genomes Project 30x 0.00125; 1000 Genomes Project 0.00160; ESP Exome Variant Server 0.00200; gnomAD 0.00259 and 0.00271; TOPMed 0.00302; gnomAD exomes 0.00324 and 0.00325; ExAC 0.00332.
gnomAD v4.1: 5,170 of 1,614,142 alleles (0.32%); highest among the groups gnomAD compares: Middle Eastern, 0.58%; 11 homozygotes.

Submissions (7):

CeGaT Center for Human Genetics Tuebingen
Classification: Likely benign. Last evaluated: 2026-09-01. Review status: criteria provided, single submitter. Criteria: CeGaT Center For Human Genetics Tuebingen Variant Classification Criteria Version 2. Collection method: clinical testing. Allele origin: germline. Affected: yes. Observed: 25 variant alleles.
Comment: LAMA1: BP4, BP7

Labcorp Genetics (formerly Invitae), Labcorp
Classification: Benign. Last evaluated: 2026-02-01. Review status: criteria provided, single submitter. Criteria: Invitae Variant Classification Sherloc (09022015). Collection method: clinical testing. Allele origin: germline.

Blueprint Genetics
Classification: Likely benign. Last evaluated: 2024-11-27. Review status: criteria provided, single submitter. Criteria: ACMG Guidelines, 2015. Collection method: clinical testing. Allele origin: germline.

Mayo Clinic Laboratories, Mayo Clinic
Classification: Benign. Last evaluated: 2023-03-21. Review status: criteria provided, single submitter. Criteria: ACMG Guidelines, 2015. Collection method: clinical testing. Allele origin: germline. Observed: 5 variant alleles.
Comment: BS1, BS2, BP4, BP7

Baylor Genetics
Classification: Uncertain significance for Ataxia - intellectual disability - oculomotor apraxia - cerebellar cysts syndrome. Last evaluated: 2018-04-11. Review status: criteria provided, single submitter. Criteria: ACMG Guidelines, 2015. Collection method: clinical testing. Allele origin: paternal. Affected: yes.
Comment: This variant was determined to be of uncertain significance according to ACMG Guidelines, 2015 [PMID:25741868].

Clinical Genetics DNA and cytogenetics Diagnostics Lab, Erasmus MC, Erasmus Medical Center
Classification: Likely benign. Review status: no assertion criteria provided. Collection method: clinical testing. Allele origin: germline. Affected: yes. Study: VKGL Data-share Consensus. Not counted in ClinVar's aggregate classification.

Clinical Genetics, Academic Medical Center
Classification: Likely benign. Review status: no assertion criteria provided. Collection method: clinical testing. Allele origin: germline. Affected: yes. Study: VKGL Data-share Consensus. Not counted in ClinVar's aggregate classification.

NM_005559.4(LAMA1):c.8253G>A (p.Leu2751=)

Gene: LAMA1 (laminin subunit alpha 1; minus strand). Cytogenetic location: 18p11.31.
Variant type: single nucleotide variant.
Coding change: c.8253G>A on transcript NM_005559.4 (MANE Select); coding-DNA position 8253, G replaced by A.
Protein change: p.Leu2751=; no amino-acid change (leucine 2751 retained).
Molecular consequence: synonymous variant.
Genome position (GRCh38, 1-based): chr18:6,950,926, C>T on the plus strand (G>A on the coding strand, the complement: LAMA1 is on the minus strand). VCF-style: chr18-6950926-C-T. GRCh37 (hg19) VCF-style: chr18-6950925-C-T.
Other names: p.Leu2751=.
Identifiers: ClinVar variation 782553 (VCV000782553.49), dbSNP rs139713073, ClinGen allele CA8880530.
Genomic context (GRCh38, chr18:6,950,926, plus strand): 5'-GCCCCCGTGCAGCTGGAGCACAGCGTAGTCTGCTTGGTTCTGATGAGCCATGTAGTAAAT[C>T]AGGCCGCTGGAGGCGAACGTGCGGATGCTTAGCTCAACCGAGAGCCTGGGGAAAACAAGT-3'
Protein context (NP_005550.2, residues 2741-2761): LSIRTFASSG[Leu2751=]IYYMAHQNQA